The following is an entry in ClinVar:

ClinVar aggregate classification (germline): Likely benign (1 of 4 stars; one submission).

Submission:

GeneDx
Classification: Likely benign. Last evaluated: 2017-08-09. Review status: criteria provided, single submitter. Criteria: GeneDx Variant Classification (06012015). Collection method: clinical testing. Allele origin: germline. Affected: yes.
Comment: This variant is considered likely benign or benign based on one or more of the following criteria: it is a conservative change, it occurs at a poorly conserved position in the protein, it is predicted to be benign by multiple in silico algorithms, and/or has population frequency not consistent with disease.

NM_017837.4(PIGV):c.945C>T (p.Gly315=)

Gene: PIGV (phosphatidylinositol glycan anchor biosynthesis class V; plus strand). Cytogenetic location: 1p36.11.
Variant type: single nucleotide variant.
Coding change: c.945C>T on transcript NM_017837.4 (MANE Select); coding-DNA position 945, C replaced by T.
Protein change: p.Gly315=; no amino-acid change (glycine 315 retained).
Molecular consequence: synonymous variant. On other transcripts: non-coding transcript variant (1), intron variant (1).
Genome position (GRCh38, 1-based): chr1:26,794,979, C>T. VCF-style: chr1-26794979-C-T. GRCh37 (hg19) VCF-style: chr1-27121470-C-T.
Other names: c.945C>T, p.Gly315= (NM_001202554.2, NM_001374478.1, NM_001374480.1 and 2 more transcripts); c.564C>T, p.Gly188= (NM_001374483.1); c.318C>T, p.Gly106= (NM_001374484.1, NM_001374485.1); c.79-2584C>T (NM_001374486.1).
Identifiers: ClinVar variation 511439 (VCV000511439.1), dbSNP rs1553155059, ClinGen allele CA416970381.
Genomic context (GRCh38, chr1:26,794,979, plus strand): 5'-GTGCTTCTGGGATGTTCCACTAATATACAGCTATATCCAGGATGTCTACTGGAATGTTGG[C>T]TTTTTGAAATACTATGAGCTCAAGCAGGTGCCCAATTTTCTACTGGCTGCACCAGTGGCT-3'
Protein context (NP_060307.2, residues 305-325): SYIQDVYWNV[Gly315=]FLKYYELKQV